The following is an entry in ClinVar:

ClinVar aggregate classification (germline): Uncertain significance. Review status: criteria provided, multiple submitters, no conflicts (2 of 4 stars). 3 submissions from 3 submitters: Uncertain significance (3). Last evaluated 2024-08-14.

Conditions:
Hereditary cancer-predisposing syndrome. Also called: Hereditary Cancer Syndrome; Hereditary neoplastic syndrome; Tumor predisposition; Neoplastic Syndromes, Hereditary. Identifiers: Orphanet 140162, MedGen C0027672, MeSH D009386, MONDO:0015356.

Allele frequency attached by ClinVar (database versions not stated): TOPMed 0.00001.

Submissions (3):

Blueprint Genetics
Classification: Uncertain significance. Last evaluated: 2024-08-14. Review status: criteria provided, single submitter. Criteria: ACMG Guidelines, 2015. Collection method: clinical testing. Allele origin: germline.

Ambry Genetics
Classification: Uncertain significance for Hereditary cancer-predisposing syndrome. Last evaluated: 2023-10-10. Review status: criteria provided, single submitter. Criteria: Ambry Variant Classification Scheme 2023. Collection method: clinical testing. Allele origin: germline.
Comment: The p.A841S variant (also known as c.2521G>T), located in coding exon 18 of the MSH3 gene, results from a G to T substitution at nucleotide position 2521. The alanine at codon 841 is replaced by serine, an amino acid with similar properties. This amino acid position is conserved. In addition, the in silico prediction for this alteration is inconclusive. Since supporting evidence is limited at this time, the clinical significance of this alteration remains unclear.

Labcorp Genetics (formerly Invitae), Labcorp
Classification: Uncertain significance. Last evaluated: 2020-10-14. Review status: criteria provided, single submitter. Criteria: Invitae Variant Classification Sherloc (09022015). Collection method: clinical testing. Allele origin: germline.
Comment: In summary, the available evidence is currently insufficient to determine the role of this variant in disease. Therefore, it has been classified as a Variant of Uncertain Significance. Algorithms developed to predict the effect of missense changes on protein structure and function are either unavailable or do not agree on the potential impact of this missense change (SIFT: "Tolerated"; PolyPhen-2: "Possibly Damaging"; Align-GVGD: "Class C0"). This variant has not been reported in the literature in individuals with MSH3-related conditions. This variant is not present in population databases (ExAC no frequency). This sequence change replaces alanine with serine at codon 841 of the MSH3 protein (p.Ala841Ser). The alanine residue is moderately conserved and there is a moderate physicochemical difference between alanine and serine.

NM_002439.5(MSH3):c.2521G>T (p.Ala841Ser)

Gene: MSH3 (mutS homolog 3; plus strand). Cytogenetic location: 5q14.1.
Variant type: single nucleotide variant.
Coding change: c.2521G>T on transcript NM_002439.5 (MANE Select); coding-DNA position 2521, G replaced by T.
Protein change: p.Ala841Ser; replaces alanine 841 with serine.
Molecular consequence: missense variant.
Genome position (GRCh38, 1-based): chr5:80,787,650, G>T. VCF-style: chr5-80787650-G-T. GRCh37 (hg19) VCF-style: chr5-80083469-G-T.
Other names: short protein forms A841S.
Identifiers: ClinVar variation 1008519 (VCV001008519.12), dbSNP rs963584392, ClinGen allele CA360283397.
Genomic context (GRCh38, chr5:80,787,650, plus strand): 5'-TTGTGTAAAGCAGTGCATCACCTAGCAACTGTTGACTGCATTTTCTCCCTGGCCAAGGTC[G>T]CTAAGCAAGGAGATTACTGCAGGTAAGATATTTTTCATTTTCCTCTTTATCAGTGCTTTA-3'
Protein context (NP_002430.3, residues 831-851): VDCIFSLAKV[Ala841Ser]KQGDYCRPTV